The following is an entry in ClinVar:

NM_198578.4(LRRK2):c.6646G>A (p.Val2216Met)

Gene: LRRK2 (leucine rich repeat kinase 2; plus strand). Cytogenetic location: 12q12.
Variant type: single nucleotide variant.
Coding change: c.6646G>A on transcript NM_198578.4 (MANE Select); coding-DNA position 6646, G replaced by A.
Protein change: p.Val2216Met; replaces valine 2216 with methionine.
Molecular consequence: missense variant.
Genome position (GRCh38, 1-based): chr12:40,354,368, G>A. VCF-style: chr12-40354368-G-A. GRCh37 (hg19) VCF-style: chr12-40748170-G-A.
Other names: short protein forms V2216M.
Identifiers: ClinVar variation 3229745 (VCV003229745.1), dbSNP rs1294868103, ClinGen allele CA384409014.

ClinVar aggregate classification (germline): Uncertain significance (1 of 4 stars; one submission).

Conditions:
Inborn genetic diseases. Identifiers: MedGen C0950123, MeSH D030342.

gnomAD v4.1: 1 of 1,614,118 alleles (0.000062%); highest among the groups gnomAD compares: Non-Finnish European, 0.000085%; no homozygotes.

Submission:

Ambry Genetics
Classification: Uncertain significance for Inborn genetic diseases. Last evaluated: 2023-12-04. Review status: criteria provided, single submitter. Criteria: Ambry Variant Classification Scheme 2023. Collection method: clinical testing. Allele origin: germline.
Comment: The p.V2216M variant (also known as c.6646G>A), located in coding exon 45 of the LRRK2 gene, results from a G to A substitution at nucleotide position 6646. The valine at codon 2216 is replaced by methionine, an amino acid with highly similar properties. This amino acid position is conserved. In addition, the in silico prediction for this alteration is inconclusive. Since supporting evidence is limited at this time, the clinical significance of this alteration remains unclear.